The following is an entry in ClinVar:

ClinVar aggregate classification (germline): Pathogenic (1 of 4 stars; one submission).

Submission:

GeneDx
Classification: Pathogenic. Last evaluated: 2019-01-15. Review status: criteria provided, single submitter. Criteria: GeneDx Variant Classification (06012015). Collection method: clinical testing. Allele origin: germline. Affected: yes.
Comment: The Q545X nonsense variant in the WAC gene is predicted to cause loss of normal protein function either through protein truncation or nonsense-mediated mRNA decay. The Q545X variant is not observed in large population cohorts (Lek et al., 2016).

NM_016628.5(WAC):c.1633C>T (p.Gln545Ter)

Gene: WAC (WW domain containing adaptor with coiled-coil; plus strand). Cytogenetic location: 10p12.1.
Variant type: single nucleotide variant.
Coding change: c.1633C>T on transcript NM_016628.5 (MANE Select); coding-DNA position 1633, C replaced by T.
Protein change: p.Gln545Ter; replaces glutamine 545 with a stop codon.
Molecular consequence: nonsense.
Genome position (GRCh38, 1-based): chr10:28,616,249, C>T. VCF-style: chr10-28616249-C-T. GRCh37 (hg19) VCF-style: chr10-28905178-C-T.
Other names: c.1498C>T, p.Gln500Ter (NM_100264.3); c.1324C>T, p.Gln442Ter (NM_100486.4); short protein forms Q500*, Q545*, Q442*.
Identifiers: ClinVar variation 620552 (VCV000620552.1), dbSNP rs1564422380, ClinGen allele CA376405711.